The following is an entry in ClinVar:

ClinVar aggregate classification (germline): Pathogenic. Review status: criteria provided, multiple submitters, no conflicts (2 of 4 stars). 3 submissions from 3 submitters: Pathogenic (2). 1 of the submissions does not count toward it. Last evaluated 2023-07-23.

Conditions:
ABCA4-related disorder. Also called: ABCA4-related disorders; ABCA4-related condition. Identifiers: MedGen CN239167.

Allele frequency attached by ClinVar (database versions not stated): gnomAD exomes 0.00001.

Submissions (3):

Labcorp Genetics (formerly Invitae), Labcorp
Classification: Pathogenic. Last evaluated: 2023-07-23. Review status: criteria provided, single submitter. Criteria: Invitae Variant Classification Sherloc (09022015). Collection method: clinical testing. Allele origin: germline.
Comment: For these reasons, this variant has been classified as Pathogenic. ClinVar contains an entry for this variant (Variation ID: 99485). This sequence change creates a premature translational stop signal (p.Thr2237Asnfs*14) in the ABCA4 gene. It is expected to result in an absent or disrupted protein product. Loss-of-function variants in ABCA4 are known to be pathogenic (PMID: 10958761, 24938718, 25312043, 26780318). This premature translational stop signal has been observed in individual(s) with cone/cone-rod dystrophy and/or Stargardt disease (PMID: 11379881, 28341476). In at least one individual the data is consistent with being in trans (on the opposite chromosome) from a pathogenic variant. This variant is not present in population databases (gnomAD no frequency).

Blueprint Genetics
Classification: Pathogenic for ABCA4-related disorders. Last evaluated: 2021-11-23. Review status: criteria provided, single submitter. Criteria: ACMG Guidelines, 2015. Collection method: clinical testing. Allele origin: germline. Affected: yes. Observed: 2 variant alleles.

Retina International
No classification provided. Review status: no classification provided. Collection method: not provided. Allele origin: not provided. Not counted in ClinVar's aggregate classification.

Literature cited by the submitters: PubMed 10958761 (cited by Labcorp Genetics (formerly Invitae), Labcorp); PubMed 24938718 (cited by Labcorp Genetics (formerly Invitae), Labcorp); PubMed 25312043 (cited by Labcorp Genetics (formerly Invitae), Labcorp); PubMed 26780318 (cited by Labcorp Genetics (formerly Invitae), Labcorp); PubMed 11379881 (cited by Labcorp Genetics (formerly Invitae), Labcorp); PubMed 28341476 (cited by Labcorp Genetics (formerly Invitae), Labcorp).

NM_000350.3(ABCA4):c.6709dup (p.Thr2237fs)

Gene: ABCA4 (ATP binding cassette subfamily A member 4; minus strand). Cytogenetic location: 1p22.1.
Variant type: Duplication.
Coding change: c.6709dup on transcript NM_000350.3 (MANE Select); coding-DNA position 6709, one base duplicated (A; older notation c.6709dupA).
Protein change: p.Thr2237fs; shifts the reading frame from threonine 2237.
Molecular consequence: frameshift variant.
Genome position (GRCh38, 1-based): chr1:93,997,881, T duplicated on the plus strand (A on the coding strand, the reverse complement: ABCA4 is on the minus strand). VCF-style (leftmost placement, unchanged base first): chr1-93997880-G-GT. GRCh37 (hg19) VCF-style: chr1-94463436-G-GT.
Other names: c.6487dup, p.Thr2163Asnfs (NM_001425324.1); short protein forms T2237fs.
Identifiers: ClinVar variation 99485 (VCV000099485.5), dbSNP rs281865383, ClinGen allele CA227437.
Genomic context (GRCh38, chr1:93,997,880, plus strand): 5'-CCAGTCTTTGCTCAGCTCTCGGTGCCCCAGGGCCAACTTGCCTGGTCCAGTGTGGTCTGT[G>GT]TGACTGAGTACTCCTCGATGAGCAGGCTGTCCTTGTGGGAGAGGAGGAGCTGGAAGATCC-3'